The following is an entry in ClinVar:

ClinVar aggregate classification (germline): Uncertain significance (1 of 4 stars; one submission).

Allele frequency attached by ClinVar (database versions not stated): gnomAD 0.00001; TOPMed 0.00001.
gnomAD v4.1: 5 of 1,547,130 alleles (0.00032%); highest among the groups gnomAD compares: Non-Finnish European, 0.00035%; no homozygotes.

Submission:

Labcorp Genetics (formerly Invitae), Labcorp
Classification: Uncertain significance. Last evaluated: 2022-03-18. Review status: criteria provided, single submitter. Criteria: Invitae Variant Classification Sherloc (09022015). Collection method: clinical testing. Allele origin: germline.
Comment: This sequence change replaces glutamic acid, which is acidic and polar, with valine, which is neutral and non-polar, at codon 100 of the TCIRG1 protein (p.Glu100Val). This variant is not present in population databases (gnomAD no frequency). This variant has not been reported in the literature in individuals affected with TCIRG1-related conditions. Algorithms developed to predict the effect of missense changes on protein structure and function are either unavailable or do not agree on the potential impact of this missense change (SIFT: "Deleterious"; PolyPhen-2: "Probably Damaging"; Align-GVGD: "Class C0"). Algorithms developed to predict the effect of sequence changes on RNA splicing suggest that this variant may create or strengthen a splice site. In summary, the available evidence is currently insufficient to determine the role of this variant in disease. Therefore, it has been classified as a Variant of Uncertain Significance.

NM_006019.4(TCIRG1):c.299A>T (p.Glu100Val)

Gene: TCIRG1 (T cell immune regulator 1, ATPase H+ transporting V0 subunit a3; plus strand). Cytogenetic location: 11q13.2.
Variant type: single nucleotide variant.
Coding change: c.299A>T on transcript NM_006019.4 (MANE Select); coding-DNA position 299, A replaced by T.
Protein change: p.Glu100Val; replaces glutamic acid 100 with valine.
Molecular consequence: missense variant. On other transcripts: 5 prime UTR variant (1).
Genome position (GRCh38, 1-based): chr11:68,042,745, A>T. VCF-style: chr11-68042745-A-T. GRCh37 (hg19) VCF-style: chr11-67810212-A-T.
Other names: c.-951A>T (NM_001351059.2); short protein forms E100V.
Identifiers: ClinVar variation 2155239 (VCV002155239.1), dbSNP rs993860020, ClinGen allele CA224202938.